The following is an entry in ClinVar:

NM_001032283.3(TMPO):c.565+2450A>G

Gene: TMPO (thymopoietin; plus strand). Cytogenetic location: 12q23.1.
Variant type: single nucleotide variant.
Coding change: c.565+2450A>G on transcript NM_001032283.3 (MANE Select); 2450 bases into the intron after coding-DNA position 565, A replaced by G.
Molecular consequence: intron variant. On other transcripts: synonymous variant (1).
Genome position (GRCh38, 1-based): chr12:98,534,288, A>G. VCF-style: chr12-98534288-A-G. GRCh37 (hg19) VCF-style: chr12-98928066-A-G.
Other names: c.2031A>G, p.Thr677= (NM_003276.2); c.565+2450A>G (NM_001307975.2, NM_001032284.3).
Identifiers: ClinVar variation 508370 (VCV000508370.2), dbSNP rs267603733, ClinGen allele CA481444696.
Genomic context (GRCh38, chr12:98,534,288, plus strand): 5'-TTGCAAAATTAATTTAGCTTCTAAGAATAAGCTGGCTTCCACTCCCTTTAAAGGTGGAAC[A>G]TTATTTGGAGGAGAAGTATGCAAAGTAATTAAAAAGCGTGGAAATAAACACTAGTAAAAT-3'

ClinVar aggregate classification (germline): Likely benign. Review status: criteria provided, multiple submitters, no conflicts (2 of 4 stars). 2 submissions from 2 submitters: Likely benign (2). Last evaluated 2022-05-05.

Allele frequency attached by ClinVar (database versions not stated): gnomAD exomes below 0.00001.
gnomAD v4.1: 1 of 1,613,470 alleles (0.000062%); highest among the groups gnomAD compares: African/African-American, 0.0013%; no homozygotes.

Submissions (2):

Blueprint Genetics
Classification: Likely benign. Last evaluated: 2022-05-05. Review status: criteria provided, single submitter. Criteria: ACMG Guidelines, 2015. Collection method: clinical testing. Allele origin: germline.

GeneDx
Classification: Likely benign. Last evaluated: 2017-03-22. Review status: criteria provided, single submitter. Criteria: GeneDx Variant Classification (06012015). Collection method: clinical testing. Allele origin: germline. Affected: yes.
Comment: This variant is considered likely benign or benign based on one or more of the following criteria: it is a conservative change, it occurs at a poorly conserved position in the protein, it is predicted to be benign by multiple in silico algorithms, and/or has population frequency not consistent with disease.